The following is an entry in ClinVar:

NM_024408.4(NOTCH2):c.6363G>C (p.Lys2121Asn)

Gene: NOTCH2 (notch receptor 2; minus strand). Cytogenetic location: 1p12.
Variant type: single nucleotide variant.
Coding change: c.6363G>C on transcript NM_024408.4 (MANE Select); coding-DNA position 6363, G replaced by C.
Protein change: p.Lys2121Asn; replaces lysine 2121 with asparagine.
Molecular consequence: missense variant.
Genome position (GRCh38, 1-based): chr1:119,916,359, C>G on the plus strand (G>C on the coding strand, the complement: NOTCH2 is on the minus strand). VCF-style: chr1-119916359-C-G. GRCh37 (hg19) VCF-style: chr1-120458982-C-G.
Other names: short protein forms K2121N.
Identifiers: ClinVar variation 291023 (VCV000291023.46), dbSNP rs144047610, ClinGen allele CA1039439.
Genomic context (GRCh38, chr1:119,916,359, plus strand): 5'-CAGTTGGACCTTCTCACTCAGAGACTTCTTCCTCCTACTACCCTTGGCATCCTTTGCCTC[C>G]TTGGCAAGGTTAGGGAGGCTAGTAGGCATGGTACTCTTGGCACTGGGCCGTCTAGACTTC-3'
Protein context (NP_077719.2, residues 2111-2131): TMPTSLPNLA[Lys2121Asn]EAKDAKGSRR

ClinVar aggregate classification (germline): Conflicting classifications of pathogenicity. Review status: criteria provided, conflicting classifications (1 of 4 stars). 7 submissions from 7 submitters: Uncertain significance (1); Benign (1); Likely benign (4). 1 of the submissions does not count toward it. Last evaluated 2026-07-01.

Conditions:
Hajdu-Cheney syndrome (HJCYS). Also called: Acroosteolysis dominant type; SERPENTINE FIBULA-POLYCYSTIC KIDNEY SYNDROME; ACROOSTEOLYSIS WITH OSTEOPOROSIS AND CHANGES IN SKULL AND MANDIBLE. Identifiers: Orphanet 955, MedGen C0917715, MONDO:0007057, OMIM 102500.
NOTCH2-related disorder. Also called: NOTCH2-related condition.

Allele frequency attached by ClinVar (database versions not stated): ExAC 0.00044; gnomAD 0.00047 and 0.00050; TOPMed 0.00052; ESP Exome Variant Server 0.00054.
gnomAD v4.1: 817 of 1,614,174 alleles (0.051%); highest among the groups gnomAD compares: Admixed American, 0.082%; no homozygotes.

Submissions (7):

CeGaT Center for Human Genetics Tuebingen
Classification: Likely benign. Last evaluated: 2026-07-01. Review status: criteria provided, single submitter. Criteria: CeGaT Center For Human Genetics Tuebingen Variant Classification Criteria Version 2. Collection method: clinical testing. Allele origin: germline. Affected: yes. Observed: 3 variant alleles.
Comment: NOTCH2: PP2, BS2

Labcorp Genetics (formerly Invitae), Labcorp
Classification: Likely benign for Hajdu-Cheney syndrome. Last evaluated: 2026-02-01. Review status: criteria provided, single submitter. Criteria: Invitae Variant Classification Sherloc (09022015). Collection method: clinical testing. Allele origin: germline.

Blueprint Genetics
Classification: Likely benign. Last evaluated: 2024-11-26. Review status: criteria provided, single submitter. Criteria: ACMG Guidelines, 2015. Collection method: clinical testing. Allele origin: germline.

GeneDx
Classification: Benign. Last evaluated: 2021-06-11. Review status: criteria provided, single submitter. Criteria: GeneDx Variant Classification Process June 2021. Collection method: clinical testing. Allele origin: germline. Affected: yes.
Comment: This variant is associated with the following publications: (PMID: 25260786)

Genetic Services Laboratory, University of Chicago
Classification: Likely benign. Last evaluated: 2017-11-15. Review status: criteria provided, single submitter. Criteria: ACMG Guidelines, 2015. Collection method: clinical testing. Allele origin: germline. Affected: no.

Eurofins Ntd Llc (ga)
Classification: Uncertain significance. Last evaluated: 2017-11-07. Review status: criteria provided, single submitter. Criteria: EGL Classification Definitions 2015. Collection method: clinical testing. Allele origin: germline. Observed: 3 variant alleles, 3 heterozygotes.

PreventionGenetics, part of Exact Sciences
Classification: Likely benign for NOTCH2-related condition. Last evaluated: 2022-02-10. Review status: no assertion criteria provided. Collection method: clinical testing. Allele origin: germline. Not counted in ClinVar's aggregate classification.
Comment: This variant is classified as likely benign based on ACMG/AMP sequence variant interpretation guidelines (Richards et al. 2015 PMID: 25741868, with internal and published modifications).